The following is an entry in ClinVar:

NM_000093.5(COL5A1):c.1494+6A>T

Gene: COL5A1 (collagen type V alpha 1 chain; plus strand). Cytogenetic location: 9q34.3.
Variant type: single nucleotide variant.
Coding change: c.1494+6A>T on transcript NM_000093.5 (MANE Select); 6 bases into the intron after coding-DNA position 1494, A replaced by T.
Molecular consequence: intron variant.
Genome position (GRCh38, 1-based): chr9:134,738,814, A>T. VCF-style: chr9-134738814-A-T. GRCh37 (hg19) VCF-style: chr9-137630660-A-T.
Other names: c.1494+6A>T (NM_001278074.1).
Identifiers: ClinVar variation 4709953 (VCV004709953.1).

ClinVar aggregate classification (germline): Uncertain significance (1 of 4 stars; one submission).

Conditions:
Ehlers-Danlos syndrome, classic type, 1 (EDSCL1). Also called: EHLERS-DANLOS SYNDROME, GRAVIS TYPE; EHLERS-DANLOS SYNDROME, SEVERE CLASSIC TYPE; Ehlers-Danlos syndrome, type 1; Ehlers-Danlos Syndrome, Classic Type, COL5A1-Related; EDS I. Identifiers: MedGen C0268335, MONDO:0019567, OMIM 130000.

gnomAD v4.1: 1 of 1,612,302 alleles (0.000062%); highest among the groups gnomAD compares: Middle Eastern, 0.017%; no homozygotes.

Submission:

Labcorp Genetics (formerly Invitae), Labcorp
Classification: Uncertain significance for Ehlers-Danlos syndrome, classic type, 1. Last evaluated: 2025-12-19. Review status: criteria provided, single submitter. Criteria: Invitae Variant Classification Sherloc (09022015). Collection method: clinical testing. Allele origin: germline.
Comment: This sequence change falls in intron 11 of the COL5A1 gene. It does not directly change the encoded amino acid sequence of the COL5A1 protein. It affects a nucleotide within the consensus splice site. This variant is not present in population databases (gnomAD no frequency). This variant has not been reported in the literature in individuals affected with COL5A1-related conditions. Variants that disrupt the consensus splice site are a relatively common cause of aberrant splicing (PMID: 17576681, 9536098). Algorithms developed to predict the effect of sequence changes on RNA splicing suggest that this variant is not likely to affect RNA splicing. In summary, the available evidence is currently insufficient to determine the role of this variant in disease. Therefore, it has been classified as a Variant of Uncertain Significance.

Literature cited by the submitters: PubMed 17576681; PubMed 9536098.